The following is an entry in ClinVar:

NM_001142800.2(EYS):c.-495T>C

Gene: EYS (EGF-like photoreceptor maintenance factor; minus strand). Cytogenetic location: 6q12.
Variant type: single nucleotide variant.
Coding change: c.-495T>C on transcript NM_001142800.2 (MANE Select); 495 bases upstream of the start codon, T replaced by C.
Molecular consequence: 5 prime UTR variant.
Genome position (GRCh38, 1-based): chr6:65,707,182, A>G on the plus strand (T>C on the coding strand, the complement: EYS is on the minus strand). VCF-style: chr6-65707182-A-G. GRCh37 (hg19) VCF-style: chr6-66417075-A-G.
Other names: c.-495T>C (NM_001142801.2, NM_001292009.2).
Identifiers: ClinVar variation 357761 (VCV000357761.8), dbSNP rs886061688, ClinGen allele CA10627442.

ClinVar aggregate classification (germline): Conflicting classifications of pathogenicity. Review status: criteria provided, conflicting classifications (1 of 4 stars). 3 submissions from 3 submitters: Uncertain significance (2); Likely benign (1). Last evaluated 2026-04-17.

Conditions:
EYS-related disorder. Also called: EYS-related condition.
Retinitis pigmentosa (RP). Identifiers: Orphanet 791, MedGen C0035334, MeSH D012174, MONDO:0019200, OMIM 268000. Inheritance: Autosomal dominant, autosomal recessive and X linked inheritance.

Allele frequency attached by ClinVar (database versions not stated): gnomAD 0.00001 and 0.00002; TOPMed 0.00007; 1000 Genomes Project 30x 0.00031.
gnomAD v4.1: 3 of 152,282 alleles (0.002%); highest among the groups gnomAD compares: Admixed American, 0.02%; no homozygotes.

Submissions (3):

PreventionGenetics, part of Exact Sciences
Classification: Likely benign for EYS-related condition. Last evaluated: 2026-04-17. Review status: criteria provided, single submitter. Criteria: ACMG Guidelines, 2015. Collection method: clinical testing. Allele origin: germline.
Comment: This variant is classified as likely benign based on ACMG/AMP sequence variant interpretation guidelines (Richards et al. 2015 PMID: 25741868, with internal and published modifications).

Labcorp Genetics (formerly Invitae), Labcorp
Classification: Uncertain significance. Last evaluated: 2022-09-06. Review status: criteria provided, single submitter. Criteria: Invitae Variant Classification Sherloc (09022015). Collection method: clinical testing. Allele origin: germline.
Comment: This variant occurs in a non-coding region of the EYS gene. It does not change the encoded amino acid sequence of the EYS protein. This variant is not present in population databases (gnomAD no frequency). This variant has not been reported in the literature in individuals affected with EYS-related conditions. ClinVar contains an entry for this variant (Variation ID: 357761). Experimental studies and prediction algorithms are not available or were not evaluated, and the functional significance of this variant is currently unknown. In summary, the available evidence is currently insufficient to determine the role of this variant in disease. Therefore, it has been classified as a Variant of Uncertain Significance.

Illumina Laboratory Services, Illumina
Classification: Uncertain significance for Retinitis pigmentosa. Last evaluated: 2018-01-12. Review status: criteria provided, single submitter. Criteria: ICSL Variant Classification Criteria 13 December 2019. Collection method: clinical testing. Allele origin: germline.